The following is an entry in ClinVar:

NM_018062.4(FANCL):c.386C>T (p.Ala129Val)

Gene: FANCL (FA complementation group L; minus strand). Cytogenetic location: 2p16.1.
Variant type: single nucleotide variant.
Coding change: c.386C>T on transcript NM_018062.4 (MANE Select); coding-DNA position 386, C replaced by T.
Protein change: p.Ala129Val; replaces alanine 129 with valine.
Molecular consequence: missense variant.
Genome position (GRCh38, 1-based): chr2:58,204,215, G>A on the plus strand (C>T on the coding strand, the complement: FANCL is on the minus strand). VCF-style: chr2-58204215-G-A. GRCh37 (hg19) VCF-style: chr2-58431350-G-A.
Other names: c.386C>T, p.Ala129Val (NM_001114636.2, NM_001374615.1, NM_001410792.1); short protein forms A129V.
Identifiers: ClinVar variation 1357581 (VCV001357581.4), dbSNP rs771495568, ClinGen allele CA1670642.
Genomic context (GRCh38, chr2:58,204,215, plus strand): 5'-AAATGCTCTCTACCAGAAGCATCTTCTGCTTTTAACTTGATGGTACTGAAGCAGGTATCC[G>A]CATACACAAGTCTGGTGAGCAGAGGAGAATAAAAAATGATCACACCGGGGAGAGCTGGAG-3'
Protein context (NP_060532.2, residues 119-139): GTLGWDKLVY[Ala129Val]DTCFSTIKLK

ClinVar aggregate classification (germline): Uncertain significance (1 of 4 stars; one submission).

Conditions:
Fanconi anemia (FA). Also called: Fanconi's anemia. Identifiers: Orphanet 84, MedGen C0015625, MeSH D005199, MONDO:0019391.

Allele frequency attached by ClinVar (database versions not stated): gnomAD exomes 0.00002; TOPMed below 0.00001; gnomAD 0.00001; ExAC 0.00002.
gnomAD v4.1: 25 of 1,612,652 alleles (0.0016%); highest among the groups gnomAD compares: South Asian, 0.0077%; no homozygotes.

Submission:

Labcorp Genetics (formerly Invitae), Labcorp
Classification: Uncertain significance for Fanconi anemia. Last evaluated: 2023-06-14. Review status: criteria provided, single submitter. Criteria: Invitae Variant Classification Sherloc (09022015). Collection method: clinical testing. Allele origin: germline.
Comment: In summary, the available evidence is currently insufficient to determine the role of this variant in disease. Therefore, it has been classified as a Variant of Uncertain Significance. Advanced modeling of protein sequence and biophysical properties (such as structural, functional, and spatial information, amino acid conservation, physicochemical variation, residue mobility, and thermodynamic stability) performed at Invitae indicates that this missense variant is not expected to disrupt FANCL protein function. ClinVar contains an entry for this variant (Variation ID: 1357581). This variant has not been reported in the literature in individuals affected with FANCL-related conditions. This variant is present in population databases (rs771495568, gnomAD 0.006%). This sequence change replaces alanine, which is neutral and non-polar, with valine, which is neutral and non-polar, at codon 129 of the FANCL protein (p.Ala129Val).